The following is an entry in ClinVar:

NM_012448.4(STAT5B):c.2203T>C (p.Cys735Arg)

Gene: STAT5B (signal transducer and activator of transcription 5B; minus strand). Cytogenetic location: 17q21.2.
Variant type: single nucleotide variant.
Coding change: c.2203T>C on transcript NM_012448.4 (MANE Select); coding-DNA position 2203, T replaced by C.
Protein change: p.Cys735Arg; replaces cysteine 735 with arginine.
Molecular consequence: missense variant.
Genome position (GRCh38, 1-based): chr17:42,202,374, A>G on the plus strand (T>C on the coding strand, the complement: STAT5B is on the minus strand). VCF-style: chr17-42202374-A-G. GRCh37 (hg19) VCF-style: chr17-40354392-A-G.
Other names: short protein forms C735R.
Identifiers: ClinVar variation 2744045 (VCV002744045.4), dbSNP rs2080052090, ClinGen allele CA399573290.

ClinVar aggregate classification (germline): Uncertain significance. Review status: criteria provided, multiple submitters, no conflicts (2 of 4 stars). 2 submissions from 2 submitters: Uncertain significance (2). Last evaluated 2023-10-20.

Conditions:
Growth hormone insensitivity with immune dysregulation 1, autosomal recessive. Also called: LARON SYNDROME DUE TO POSTRECEPTOR DEFECT; GROWTH HORMONE INSENSITIVITY SYNDROME WITH IMMUNE DYSREGULATION 1, AUTOSOMAL RECESSIVE; GROWTH HORMONE INSENSITIVITY DUE TO POSTRECEPTOR DEFECT; Laron syndrome with immunodeficiency. Identifiers: Orphanet 220465, MedGen C5435698, MONDO:0100211, OMIM 245590.
Growth hormone insensitivity syndrome with immune dysregulation 2, autosomal dominant. Identifiers: MedGen C5436546, MONDO:0100219, OMIM 618985.

Allele frequency attached by ClinVar (database versions not stated): gnomAD exomes below 0.00001; TOPMed below 0.00001.
gnomAD v4.1: 3 of 1,614,198 alleles (0.00019%); highest among the groups gnomAD compares: Middle Eastern, 0.016%; no homozygotes.

Submissions (2):

Labcorp Genetics (formerly Invitae), Labcorp
Classification: Uncertain significance for Growth hormone insensitivity with immune dysregulation 1, autosomal recessive. Last evaluated: 2023-10-20. Review status: criteria provided, single submitter. Criteria: Invitae Variant Classification Sherloc (09022015). Collection method: clinical testing. Allele origin: germline.
Comment: This sequence change replaces cysteine, which is neutral and slightly polar, with arginine, which is basic and polar, at codon 735 of the STAT5B protein (p.Cys735Arg). This variant is not present in population databases (gnomAD no frequency). This variant has not been reported in the literature in individuals affected with STAT5B-related conditions. An algorithm developed to predict the effect of missense changes on protein structure and function (PolyPhen-2) suggests that this variant is likely to be disruptive. In summary, the available evidence is currently insufficient to determine the role of this variant in disease. Therefore, it has been classified as a Variant of Uncertain Significance.

Department of Pathology and Laboratory Medicine, Sinai Health System
Classification: Uncertain significance for Growth hormone insensitivity with immune dysregulation 1, autosomal recessive; Growth hormone insensitivity syndrome with immune dysregulation 2, autosomal dominant. Last evaluated: 2020-06-19. Review status: criteria provided, single submitter. Criteria: ACMG Guidelines, 2015. Collection method: research. Allele origin: germline.